The following is an entry in ClinVar:

NM_000132.4(F8):c.566C>T (p.Ser189Leu)

Gene: F8 (coagulation factor VIII; minus strand). Cytogenetic location: Xq28.
Variant type: single nucleotide variant.
Coding change: c.566C>T on transcript NM_000132.4 (MANE Select); coding-DNA position 566, C replaced by T.
Protein change: p.Ser189Leu; replaces serine 189 with leucine.
Molecular consequence: missense variant.
Genome position (GRCh38, 1-based): chrX:154,992,971, G>A on the plus strand (C>T on the coding strand, the complement: F8 is on the minus strand). VCF-style: chrX-154992971-G-A. GRCh37 (hg19) VCF-style: chrX-154221246-G-A.
Other names: F8, SER170LEU; S170L; c.566C>T (NM_000132.3); short protein forms S189L.
Identifiers: ClinVar variation 10129 (VCV000010129.2), dbSNP rs137852367, ClinGen allele CA255030.

ClinVar aggregate classification (germline): Likely pathogenic. Review status: criteria provided, single submitter (1 of 4 stars). 2 submissions from 2 submitters: Likely pathogenic (1). 1 of the submissions does not count toward it. Last evaluated 2022-12-12.

Conditions:
Hereditary factor VIII deficiency disease (HEMA). Also called: HEMOPHILIA, CLASSIC; Hemophilia A; Hemophilia A, congenital; HEM A; Factor 8 deficiency, congenital; AUTOSOMAL HEMOPHILIA A. Identifiers: Orphanet 98878, MedGen C0019069, MONDO:0010602, OMIM 306700.

Submissions (2):

Mayo Clinic Laboratories, Mayo Clinic
Classification: Likely pathogenic. Last evaluated: 2022-12-12. Review status: criteria provided, single submitter. Criteria: ACMG Guidelines, 2015. Collection method: clinical testing. Allele origin: germline. Observed: 1 variant allele.
Comment: PP3, PM1, PM2, PS4_moderate

OMIM
Classification: Pathogenic for HEMOPHILIA A. Last evaluated: 1989-12-01. Review status: no assertion criteria provided. Collection method: literature only. Allele origin: germline. Not counted in ClinVar's aggregate classification.

Literature cited by the submitters: PubMed 2510835 (cited by OMIM).